The following is an entry in ClinVar:

NM_138694.4(PKHD1):c.2432A>G (p.His811Arg)

Gene: PKHD1 (PKHD1 ciliary IPT domain containing fibrocystin/polyductin; minus strand). Cytogenetic location: 6p12.2.
Variant type: single nucleotide variant.
Coding change: c.2432A>G on transcript NM_138694.4 (MANE Select); coding-DNA position 2432, A replaced by G.
Protein change: p.His811Arg; replaces histidine 811 with arginine.
Molecular consequence: missense variant.
Genome position (GRCh38, 1-based): chr6:52,046,164, T>C on the plus strand (A>G on the coding strand, the complement: PKHD1 is on the minus strand). VCF-style: chr6-52046164-T-C. GRCh37 (hg19) VCF-style: chr6-51910962-T-C.
Other names: c.2432A>G, p.His811Arg (NM_170724.3); short protein forms H811R.
Identifiers: ClinVar variation 3040317 (VCV003040317.2), dbSNP rs1167907655, ClinGen allele CA364443373.

ClinVar aggregate classification (germline): Uncertain significance (0 of 4 stars; one submission).

Conditions:
PKHD1-related disorder. Also called: PKHD1-related condition.

Allele frequency attached by ClinVar (database versions not stated): gnomAD exomes below 0.00001; TOPMed below 0.00001; gnomAD 0.00001.
gnomAD v4.1: 3 of 1,613,498 alleles (0.00019%); highest among the groups gnomAD compares: East Asian, 0.0022%; no homozygotes.

Submission:

PreventionGenetics, part of Exact Sciences
Classification: Uncertain significance for PKHD1-related condition. Last evaluated: 2024-02-14. Review status: no assertion criteria provided. Collection method: clinical testing. Allele origin: germline.
Comment: The PKHD1 c.2432A>G variant is predicted to result in the amino acid substitution p.His811Arg. To our knowledge, this variant has not been reported in the literature. This variant is reported in 0.011% of alleles in individuals of African descent in gnomAD. At this time, the clinical significance of this variant is uncertain due to the absence of conclusive functional and genetic evidence.